The following is an entry in ClinVar:

ClinVar aggregate classification (germline): Likely benign. Review status: criteria provided, single submitter (1 of 4 stars). 2 submissions from 2 submitters: Likely benign (1). 1 of the submissions does not count toward it. Last evaluated 2022-07-06.

Conditions:
GDF1-related disorder. Also called: GDF1-related condition.

Allele frequency attached by ClinVar (database versions not stated): gnomAD exomes 0.00005; TOPMed 0.00008; ExAC 0.00009; gnomAD 0.00009 and 0.00040; 1000 Genomes Project 30x 0.00234; 1000 Genomes Project 0.00559.
gnomAD v4.1: 993 of 1,455,994 alleles (0.068%); highest among the groups gnomAD compares: East Asian, 3.1%; 38 homozygotes.

Submissions (2):

Labcorp Genetics (formerly Invitae), Labcorp
Classification: Likely benign. Last evaluated: 2022-07-06. Review status: criteria provided, single submitter. Criteria: Invitae Variant Classification Sherloc (09022015). Collection method: clinical testing. Allele origin: germline.

PreventionGenetics, part of Exact Sciences
Classification: Likely benign for GDF1-related condition. Last evaluated: 2022-12-28. Review status: no assertion criteria provided. Collection method: clinical testing. Allele origin: germline. Not counted in ClinVar's aggregate classification.
Comment: This variant is classified as likely benign based on ACMG/AMP sequence variant interpretation guidelines (Richards et al. 2015 PMID: 25741868, with internal and published modifications).

NM_001492.6(GDF1):c.912C>G (p.Val304=)

Genes: CERS1 (ceramide synthase 1; minus strand), GDF1 (growth differentiation factor 1; minus strand). Cytogenetic location: 19p13.11.
Variant type: single nucleotide variant.
Coding change: c.912C>G on transcript NM_001492.6 (MANE Select); coding-DNA position 912, C replaced by G.
Protein change: p.Val304=; no amino-acid change (valine 304 retained).
Molecular consequence: synonymous variant. On other transcripts: 3 prime UTR variant (2).
Genome position (GRCh38, 1-based): chr19:18,868,804, G>C on the plus strand (C>G on the coding strand, the complement: GDF1 is on the minus strand). VCF-style: chr19-18868804-G-C. GRCh37 (hg19) VCF-style: chr19-18979613-G-C.
Other names: c.*1773C>G (NM_001387440.1); c.*1181C>G (NM_021267.5); c.912C>G, p.Val304= (NM_001387438.1).
Identifiers: ClinVar variation 471939 (VCV000471939.12), dbSNP rs551588378, ClinGen allele CA9317916.